The following is an entry in ClinVar:

ClinVar aggregate classification (germline): Pathogenic (1 of 4 stars; one submission).

Conditions:
Parathyroid carcinoma (PRTC). Also called: CDC73-Related Parathyroid Carcinoma; Parathyroid gland carcinoma. Identifiers: Orphanet 143, MedGen C0687150, MONDO:0012004, OMIM 608266, HP:0006780.

Submission:

Women's Health and Genetics/Laboratory Corporation of America, LabCorp
Classification: Pathogenic for Parathyroid carcinoma. Last evaluated: 2025-09-26. Review status: criteria provided, single submitter. Criteria: LabCorp Variant Classification Summary - May 2015. Collection method: clinical testing. Allele origin: germline.
Comment: Variant summary: The variant involves the deletion of exons 1-17 in the CDC73 gene. A presumed nomenclature of c.(?_-171)_(*4104_?)del has been designated for the purposes of this classification. This deletion includes the entire coding sequence of the gene. As the exact proximal and distal breakpoints are unknown, it may extend beyond the annotated region of the gene to include other flanking genes. Loss-of-function variants in this gene are known to be pathogenic. The variant was absent in 21694 control chromosomes. c.(?_-171)_(*4104_?)del has been observed in at least two individuals affected with Familial Isolated Hyperparathyroidism or Hyperparathyroidism-Jaw Tumor Syndrome (van der Tuin_2017). These data indicate that the variant is very likely to be associated with disease. To our knowledge, no experimental evidence demonstrating an impact on protein function has been reported. The following publication have been ascertained in the context of this evaluation (PMID: 29040582). ClinVar contains an entry for this variant (Variation ID: 647462, 830490 ). Based on the evidence outlined above, the variant was classified as pathogenic.

Literature cited by the submitters: PubMed 29040582.

NC_000001.10:g.(?_193091160)_(193223946_?)del

Genes: CDC73 (cell division cycle 73; plus strand), B3GALT2 (beta-1,3-galactosyltransferase 2; minus strand). Cytogenetic location: 1q31.2.
Variant type: Deletion.
Identifiers: ClinVar variation 4535950 (VCV004535950.1).